The following is an entry in ClinVar:

ClinVar aggregate classification (germline): Uncertain significance (1 of 4 stars; one submission).

Submission:

CeGaT Center for Human Genetics Tuebingen
Classification: Uncertain significance. Last evaluated: 2023-05-01. Review status: criteria provided, single submitter. Criteria: CeGaT Center For Human Genetics Tuebingen Variant Classification Criteria Version 2. Collection method: clinical testing. Allele origin: germline. Affected: yes. Observed: 1 variant allele.
Comment: FAT1: PM2

NM_005245.4(FAT1):c.3238G>T (p.Gly1080Cys)

Gene: FAT1 (FAT atypical cadherin 1; minus strand). Cytogenetic location: 4q35.2.
Variant type: single nucleotide variant.
Coding change: c.3238G>T on transcript NM_005245.4 (MANE Select); coding-DNA position 3238, G replaced by T.
Protein change: p.Gly1080Cys; replaces glycine 1080 with cysteine.
Molecular consequence: missense variant.
Genome position (GRCh38, 1-based): chr4:186,706,590, C>A on the plus strand (G>T on the coding strand, the complement: FAT1 is on the minus strand). VCF-style: chr4-186706590-C-A. GRCh37 (hg19) VCF-style: chr4-187627744-C-A.
Other names: short protein forms G1080C.
Identifiers: ClinVar variation 2655232 (VCV002655232.24), dbSNP rs1277289648, ClinGen allele CA358982860.
Genomic context (GRCh38, chr4:186,706,590, plus strand): 5'-GGCATCAAATGAGAGCAATAAAAACATATTTACCTGTCTCTTCACCTATTTTGAAAACAC[C>A]AACGCCAGAGCCATCTCTAATGGAGTATCGGATCTCCCCATCTCTTCTGGCGTCCTCATC-3'
Protein context (NP_005236.2, residues 1070-1090): RYSIRDGSGV[Gly1080Cys]VFKIGEETGV